The following is an entry in ClinVar:

NM_001204.7(BMPR2):c.1895T>C (p.Met632Thr)

Gene: BMPR2 (bone morphogenetic protein receptor type 2; plus strand). Cytogenetic location: 2q33.2.
Variant type: single nucleotide variant.
Coding change: c.1895T>C on transcript NM_001204.7 (MANE Select); coding-DNA position 1895, T replaced by C.
Protein change: p.Met632Thr; replaces methionine 632 with threonine.
Molecular consequence: missense variant.
Genome position (GRCh38, 1-based): chr2:202,555,560, T>C. VCF-style: chr2-202555560-T-C. GRCh37 (hg19) VCF-style: chr2-203420283-T-C.
Other names: short protein forms M632T.
Identifiers: ClinVar variation 3824742 (VCV003824742.1).

ClinVar aggregate classification (germline): Uncertain significance (1 of 4 stars; one submission).

Conditions:
Inborn genetic diseases. Identifiers: MedGen C0950123, MeSH D030342.

Submission:

Ambry Genetics
Classification: Uncertain significance for Inborn genetic diseases. Last evaluated: 2024-12-14. Review status: criteria provided, single submitter. Criteria: Ambry Variant Classification Scheme 2023. Collection method: clinical testing. Allele origin: germline.
Comment: The p.M632T variant (also known as c.1895T>C), located in coding exon 12 of the BMPR2 gene, results from a T to C substitution at nucleotide position 1895. The methionine at codon 632 is replaced by threonine, an amino acid with similar properties. This amino acid position is conserved. In addition, this alteration is predicted to be tolerated by in silico analysis. Based on the available evidence, the clinical significance of this variant remains unclear.